The following is an entry in ClinVar:

NM_004006.3(DMD):c.3163-44G>A

Gene: DMD (dystrophin; minus strand). Cytogenetic location: Xp21.1.
Variant type: single nucleotide variant.
Coding change: c.3163-44G>A on transcript NM_004006.3 (MANE Select); 44 bases into the intron before coding-DNA position 3163, G replaced by A.
Molecular consequence: intron variant.
Genome position (GRCh38, 1-based): chrX:32,464,743, C>T on the plus strand (G>A on the coding strand, the complement: DMD is on the minus strand). VCF-style: chrX-32464743-C-T. GRCh37 (hg19) VCF-style: chrX-32482860-C-T.
Other names: c.3139-44G>A (NM_000109.4); c.3151-44G>A (NM_004009.3); c.2794-44G>A (NM_004010.3).
Identifiers: ClinVar variation 673627 (VCV000673627.2), dbSNP rs192568451, ClinGen allele CA10379345.

ClinVar aggregate classification (germline): Benign. Review status: criteria provided, multiple submitters, no conflicts (2 of 4 stars). 2 submissions from 2 submitters: Benign (2). Last evaluated 2018-06-14.

Allele frequency attached by ClinVar (database versions not stated): gnomAD exomes 0.00190 and 0.00474; ExAC 0.00626; gnomAD 0.01721 and 0.01833; TOPMed 0.01933; ESP Exome Variant Server 0.01989; 1000 Genomes Project 0.02146; 1000 Genomes Project 30x 0.02456.
gnomAD v4.1: 3,461 of 898,709 alleles (0.39%); highest among the groups gnomAD compares: African/African-American, 6%; 75 homozygotes.

Submissions (2):

GeneDx
Classification: Benign. Last evaluated: 2018-06-14. Review status: criteria provided, single submitter. Criteria: GeneDx Variant Classification (06012015). Collection method: clinical testing. Allele origin: germline. Affected: yes.
Comment: This variant is considered likely benign or benign based on one or more of the following criteria: it is a conservative change, it occurs at a poorly conserved position in the protein, it is predicted to be benign by multiple in silico algorithms, and/or has population frequency not consistent with disease.

Breakthrough Genomics
Classification: Benign. Review status: criteria provided, single submitter. Criteria: ACMG Guidelines, 2015. Collection method: not provided. Allele origin: germline. Inheritance: X-linked inheritance. Affected: yes.